The following is an entry in ClinVar:

ClinVar aggregate classification (germline): Likely pathogenic (1 of 4 stars; one submission).

Conditions:
Mucopolysaccharidosis, MPS-II (MPS2). Also called: Mucopolysaccharidosis type 2; IDS deficiency; Sulfoiduronate sulfatase deficiency; SIDS deficiency; Attenuated MPS (subtype; formerly known as mild MPS II); Severe MPS II. Identifiers: Orphanet 580, Orphanet 79388, MedGen C0026705, MONDO:0010674, OMIM 309900.

Submission:

Myriad Genetics, Inc.
Classification: Likely pathogenic for Mucopolysaccharidosis, MPS-II. Last evaluated: 2021-12-13. Review status: criteria provided, single submitter. Criteria: Myriad Women's Health Autosomal Recessive and X-Linked Classification Criteria (2021). Collection method: clinical testing. Allele origin: unknown.
Comment: NM_000202.5(IDS):c.696_697delCA(F232Lfs*25) is expected to be pathogenic in the context of mucopolysaccharidosis type II. This variant is predicted to lead to an abnormal or absent protein product due to the creation of a premature termination codon in IDS, a gene where loss-of-function variants are known to be pathogenic. Please note: this variant was assessed in the context of healthy population screening.

NM_000202.8(IDS):c.696_697del (p.Phe232fs)

Genes: IDS (iduronate 2-sulfatase; minus strand), LOC106050102 (IDS recombination region; plus strand). Cytogenetic location: Xq28.
Variant type: Deletion.
Coding change: c.696_697del on transcript NM_000202.8 (MANE Select); coding-DNA positions 696 to 697, 2 bases deleted (CA; older notation c.696_697delCA).
Protein change: p.Phe232fs; shifts the reading frame from phenylalanine 232.
Molecular consequence: frameshift variant. On other transcripts: non-coding transcript variant (1).
Genome position (GRCh38, 1-based): chrX:149,498,118-149,498,119, TG deleted on the plus strand (CA on the coding strand, the reverse complement: IDS is on the minus strand). VCF-style (leftmost placement, unchanged base first): chrX-149498117-CTG-C. GRCh37 (hg19) VCF-style: chrX-148579648-CTG-C.
Other names: c.426_427del, p.Phe142fs (NM_001166550.4); c.696_697del, p.Phe232fs (NM_006123.5); short protein forms F142fs, F232fs.
Identifiers: ClinVar variation 1726294 (VCV001726294.2), dbSNP rs2520862342, ClinGen allele CA2580101617.